The following is an entry in ClinVar:

ClinVar aggregate classification (germline): Pathogenic (1 of 4 stars; one submission).

Submission:

Labcorp Genetics (formerly Invitae), Labcorp
Classification: Pathogenic. Last evaluated: 2025-07-21. Review status: criteria provided, single submitter. Criteria: Invitae Variant Classification Sherloc (09022015). Collection method: clinical testing. Allele origin: germline.
Comment: This sequence change creates a premature translational stop signal (p.Arg480Serfs*8) in the CFI gene. It is expected to result in an absent or disrupted protein product. Loss-of-function variants in CFI are known to be pathogenic (PMID: 15917334, 16621965, 19065647, 20016463, 22710145). This variant is present in population databases (no rsID available, gnomAD 0.003%). This variant has not been reported in the literature in individuals affected with CFI-related conditions. For these reasons, this variant has been classified as Pathogenic.

Literature cited by the submitters: PubMed 15917334; PubMed 16621965; PubMed 19065647; PubMed 20016463; PubMed 22710145.

NM_000204.5(CFI):c.1440_1441del (p.Arg480fs)

Gene: CFI (complement factor I; minus strand). Cytogenetic location: 4q25.
Variant type: Microsatellite.
Coding change: c.1440_1441del on transcript NM_000204.5 (MANE Select); coding-DNA positions 1440 to 1441, 2 bases deleted (AG; older notation c.1440_1441delAG).
Protein change: p.Arg480fs; shifts the reading frame from arginine 480.
Molecular consequence: frameshift variant. On other transcripts: non-coding transcript variant (3).
Genome position (GRCh38, 1-based): chr4:109,742,584-109,742,585, CT deleted on the plus strand (AG on the coding strand, the reverse complement: CFI is on the minus strand); deleting any 2 consecutive bases within chr4:109,742,584-109,742,587 gives the same sequence; the c. name uses the placement nearest the transcript's 3' end. VCF-style (leftmost placement, unchanged base first): chr4-109742583-ACT-A. GRCh37 (hg19) VCF-style: chr4-110663739-ACT-A.
Other names: c.1464_1465del, p.Arg488fs (NM_001318057.2, NM_001375278.1); c.1419_1420del, p.Arg473fs (NM_001331035.2, NM_001375280.1, NM_001375282.1); c.1440_1441del, p.Arg480fs (NM_001375279.1, NM_001375281.1); c.1383_1384del, p.Arg461fs (NM_001375283.1); c.831_832del, p.Arg277fs (NM_001375284.1); short protein forms R473fs, R480fs, R488fs, R461fs, R277fs.
Identifiers: ClinVar variation 2022339 (VCV002022339.4), dbSNP rs1283565272, ClinGen allele CA553655406.